The following is an entry in ClinVar:

ClinVar aggregate classification (germline): Likely pathogenic (1 of 4 stars; one submission).

Submission:

ARUP Laboratories, Molecular Genetics and Genomics, ARUP Laboratories
Classification: Likely pathogenic. Last evaluated: 2025-03-14. Review status: criteria provided, single submitter. Criteria: ARUP Molecular Germline Variant Investigation Process 2024. Collection method: clinical testing. Allele origin: germline.
Comment: The SLC4A1 c.1801-1del variant, to our knowledge, is not reported in the medical literature or gene specific databases. This variant is also absent from the Genome Aggregation Database (v2.1.1), indicating it is not a common polymorphism. This variant disrupts the canonical splice acceptor site of intron 14, which is likely to negatively impact gene function. Based on available information, this variant is considered to be likely pathogenic.

NM_000342.4(SLC4A1):c.1801-1del

Gene: SLC4A1 (solute carrier family 4 member 1 (Diego blood group); minus strand). Cytogenetic location: 17q21.31.
Variant type: Deletion.
Coding change: c.1801-1del on transcript NM_000342.4 (MANE Select); the canonical splice acceptor site of the intron before coding-DNA position 1801, one base deleted (G; older notation c.1801-1delG).
Molecular consequence: splice acceptor variant.
Genome position (GRCh38, 1-based): chr17:44,255,297, C deleted on the plus strand (G on the coding strand, the reverse complement: SLC4A1 is on the minus strand). VCF-style (leftmost placement, unchanged base first): chr17-44255296-GC-G. GRCh37 (hg19) VCF-style: chr17-42332664-GC-G.
Identifiers: ClinVar variation 4685695 (VCV004685695.1).